The following is an entry in ClinVar:

NM_006859.4(LIAS):c.488C>T (p.Thr163Ile)

Gene: LIAS (lipoic acid synthetase; plus strand). Cytogenetic location: 4p14.
Variant type: single nucleotide variant.
Coding change: c.488C>T on transcript NM_006859.4 (MANE Select); coding-DNA position 488, C replaced by T.
Protein change: p.Thr163Ile; replaces threonine 163 with isoleucine.
Molecular consequence: missense variant. On other transcripts: intron variant (1).
Genome position (GRCh38, 1-based): chr4:39,465,140, C>T. VCF-style: chr4-39465140-C-T. GRCh37 (hg19) VCF-style: chr4-39466760-C-T.
Other names: c.488C>T, p.Thr163Ile (NM_001278590.2, NM_194451.3); c.299+1535C>T (NM_001363700.2); c.488C>T (NM_006859.2); short protein forms T163I.
Identifiers: ClinVar variation 947966 (VCV000947966.9), dbSNP rs1485721291, ClinGen allele CA356664542.

ClinVar aggregate classification (germline): Uncertain significance. Review status: criteria provided, multiple submitters, no conflicts (2 of 4 stars). 2 submissions from 2 submitters: Uncertain significance (2). Last evaluated 2025-08-31.

Conditions:
Inborn genetic diseases. Identifiers: MedGen C0950123, MeSH D030342.
Lipoic acid synthetase deficiency. Also called: HYPERGLYCINEMIA, LACTIC ACIDOSIS, AND SEIZURES. Identifiers: Orphanet 401859, MedGen C3280887, MONDO:0013762, OMIM 614462.

Allele frequency attached by ClinVar (database versions not stated): gnomAD exomes below 0.00001 and 0.00001; gnomAD 0.00001; TOPMed 0.00002.
gnomAD v4.1: 8 of 1,614,110 alleles (0.0005%); highest among the groups gnomAD compares: Non-Finnish European, 0.00068%; no homozygotes.

Submissions (2):

Ambry Genetics
Classification: Uncertain significance for Inborn genetic diseases. Last evaluated: 2025-08-31. Review status: criteria provided, single submitter. Criteria: Ambry Variant Classification Scheme 2023. Collection method: clinical testing. Allele origin: germline.

Labcorp Genetics (formerly Invitae), Labcorp
Classification: Uncertain significance for Lipoic acid synthetase deficiency. Last evaluated: 2024-12-02. Review status: criteria provided, single submitter. Criteria: Invitae Variant Classification Sherloc (09022015). Collection method: clinical testing. Allele origin: germline.
Comment: This sequence change replaces threonine, which is neutral and polar, with isoleucine, which is neutral and non-polar, at codon 163 of the LIAS protein (p.Thr163Ile). This variant is present in population databases (no rsID available, gnomAD 0.002%). This variant has not been reported in the literature in individuals affected with LIAS-related conditions. ClinVar contains an entry for this variant (Variation ID: 947966). Invitae Evidence Modeling of protein sequence and biophysical properties (such as structural, functional, and spatial information, amino acid conservation, physicochemical variation, residue mobility, and thermodynamic stability) indicates that this missense variant is not expected to disrupt LIAS protein function with a negative predictive value of 80%. In summary, the available evidence is currently insufficient to determine the role of this variant in disease. Therefore, it has been classified as a Variant of Uncertain Significance.